The following is an entry in ClinVar:

NM_017649.5(CNNM2):c.2593G>A (p.Ala865Thr)

Gene: CNNM2 (cyclin and CBS domain divalent metal cation transport mediator 2; plus strand). Cytogenetic location: 10q24.32.
Variant type: single nucleotide variant.
Coding change: c.2593G>A on transcript NM_017649.5 (MANE Select); coding-DNA position 2593, G replaced by A.
Protein change: p.Ala865Thr; replaces alanine 865 with threonine.
Molecular consequence: missense variant.
Genome position (GRCh38, 1-based): chr10:103,077,145, G>A. VCF-style: chr10-103077145-G-A. GRCh37 (hg19) VCF-style: chr10-104836902-G-A.
Other names: c.2527G>A, p.Ala843Thr (NM_199076.3); c.2593G>A (NM_017649.3); short protein forms A843T, A865T.
Identifiers: ClinVar variation 1435157 (VCV001435157.35), dbSNP rs202176723, ClinGen allele CA5670652.

ClinVar aggregate classification (germline): Conflicting classifications of pathogenicity. Review status: criteria provided, conflicting classifications (1 of 4 stars). 6 submissions from 6 submitters: Uncertain significance (5); Likely benign (1). Last evaluated 2026-06-07.

Conditions:
Inborn genetic diseases. Identifiers: MedGen C0950123, MeSH D030342.
Hypomagnesemia, seizures, and impaired intellectual development 1. Also called: Hypomagnesemia, seizures, and intellectual disability 1. Identifiers: Orphanet 34527, MedGen C4225333, MONDO:0020787, OMIM 616418.
Renal hypomagnesemia 6. Identifiers: Orphanet 34527, MedGen C3151295, MONDO:0013480, OMIM 613882.

Allele frequency attached by ClinVar (database versions not stated): gnomAD exomes 0.00008 and 0.00015; gnomAD 0.00004 and 0.00005; TOPMed 0.00007; ESP Exome Variant Server 0.00016; ExAC 0.00007.
gnomAD v4.1: 213 of 1,613,564 alleles (0.013%); highest among the groups gnomAD compares: Middle Eastern, 0.051%; no homozygotes.

Submissions (6):

Revvity Omics, Revvity
Classification: Likely benign. Last evaluated: 2026-06-07. Review status: criteria provided, single submitter. Criteria: ACMG Guidelines, 2015. Collection method: clinical testing. Allele origin: germline.

Labcorp Genetics (formerly Invitae), Labcorp
Classification: Uncertain significance. Last evaluated: 2025-08-06. Review status: criteria provided, single submitter. Criteria: Invitae Variant Classification Sherloc (09022015). Collection method: clinical testing. Allele origin: germline.
Comment: This sequence change replaces alanine, which is neutral and non-polar, with threonine, which is neutral and polar, at codon 865 of the CNNM2 protein (p.Ala865Thr). This variant is present in population databases (rs202176723, gnomAD 0.01%). This variant has not been reported in the literature in individuals affected with CNNM2-related conditions. ClinVar contains an entry for this variant (Variation ID: 1435157). An algorithm developed to predict the effect of missense changes on protein structure and function (PolyPhen-2) suggests that this variant is likely to be tolerated. In summary, the available evidence is currently insufficient to determine the role of this variant in disease. Therefore, it has been classified as a Variant of Uncertain Significance.

Fulgent Genetics
Classification: Uncertain significance for Renal hypomagnesemia 6; Hypomagnesemia, seizures, and impaired intellectual development 1. Last evaluated: 2024-03-23. Review status: criteria provided, single submitter. Criteria: ACMG Guidelines, 2015. Collection method: clinical testing. Allele origin: germline.

CeGaT Center for Human Genetics Tuebingen
Classification: Uncertain significance. Last evaluated: 2023-02-01. Review status: criteria provided, single submitter. Criteria: CeGaT Center For Human Genetics Tuebingen Variant Classification Criteria Version 2. Collection method: clinical testing. Allele origin: germline. Affected: yes. Observed: 1 variant allele.
Comment: CNNM2: PP2, BP4

Ambry Genetics
Classification: Uncertain significance for Inborn genetic diseases. Last evaluated: 2021-06-11. Review status: criteria provided, single submitter. Criteria: Ambry Variant Classification Scheme 2023. Collection method: clinical testing. Allele origin: germline.

Breakthrough Genomics
Classification: Uncertain significance. Review status: criteria provided, single submitter. Criteria: ACMG Guidelines, 2015. Collection method: not provided. Allele origin: germline. Inheritance: Autosomal dominant inheritance. Affected: yes.